The following is an entry in ClinVar:

NM_144988.4(ALG14):c.394C>A (p.Leu132Ile)

Gene: ALG14 (ALG14 UDP-N-acetylglucosaminyltransferase subunit; minus strand). Cytogenetic location: 1p21.3.
Variant type: single nucleotide variant.
Coding change: c.394C>A on transcript NM_144988.4 (MANE Select); coding-DNA position 394, C replaced by A.
Protein change: p.Leu132Ile; replaces leucine 132 with isoleucine.
Molecular consequence: missense variant. On other transcripts: non-coding transcript variant (1).
Genome position (GRCh38, 1-based): chr1:95,027,155, G>T on the plus strand (C>A on the coding strand, the complement: ALG14 is on the minus strand). VCF-style: chr1-95027155-G-T. GRCh37 (hg19) VCF-style: chr1-95492711-G-T.
Other names: c.431C>A, p.Pro144His (NM_001305242.2); short protein forms L132I, P144H.
Identifiers: ClinVar variation 5034571 (VCV005034571.1).
Genomic context (GRCh38, chr1:95,027,155, plus strand): 5'-TACTTTCTCTCTCCTTAGTGATGGTCTTACTTACCAAATCTGGCTTCACCCTGTGAATTA[G>T]GGGAAAGGAGAGCCACATGGAGTGCAAGGTGGTGAAAACGGTGGAGGGCCAGGACTGCTG-3'
Protein context (NP_659425.1, residues 122-142): TLHSMWLSFP[Leu132Ile]IHRVKPDLVL

ClinVar aggregate classification (germline): Uncertain significance (1 of 4 stars; one submission).

Conditions:
Inborn genetic diseases. Identifiers: MedGen C0950123, MeSH D030342.

gnomAD v4.1: 19 of 1,614,106 alleles (0.0012%); highest among the groups gnomAD compares: Non-Finnish European, 0.0016%; no homozygotes.

Submission:

Ambry Genetics
Classification: Uncertain significance for Inborn genetic diseases. Last evaluated: 2026-08-13. Review status: criteria provided, single submitter. Criteria: Ambry Variant Classification Scheme 2023. Collection method: clinical testing. Allele origin: germline.
Comment: The c.394C>A (p.L132I) alteration is located in exon 3 (coding exon 3) of the ALG14 gene. This alteration results from a C to A substitution at nucleotide position 394, causing the leucine (L) at amino acid position 132 to be replaced by an isoleucine (I). Based on data from gnomAD, the A allele has an overall frequency of <0.001% (1/251320) total alleles studied. The highest observed frequency was <0.001% (/) of alleles. Based on insufficient or conflicting evidence, the clinical significance of this alteration remains unclear.